The following is an entry in ClinVar:

ClinVar aggregate classification (germline): Uncertain significance (1 of 4 stars; one submission).

Submission:

Labcorp Genetics (formerly Invitae), Labcorp
Classification: Uncertain significance. Last evaluated: 2025-10-21. Review status: criteria provided, single submitter. Criteria: Invitae Variant Classification Sherloc (09022015). Collection method: clinical testing. Allele origin: germline.
Comment: This sequence change falls in intron 20 of the ERBB4 gene. It does not directly change the encoded amino acid sequence of the ERBB4 protein. It affects a nucleotide within the consensus splice site. This variant is not present in population databases (gnomAD no frequency). This variant has not been reported in the literature in individuals affected with ERBB4-related conditions. Variants that disrupt the consensus splice site are a relatively common cause of aberrant splicing (PMID: 17576681, 9536098). Algorithms developed to predict the effect of sequence changes on RNA splicing suggest that this variant is not likely to affect RNA splicing. In summary, the available evidence is currently insufficient to determine the role of this variant in disease. Therefore, it has been classified as a Variant of Uncertain Significance.

Literature cited by the submitters: PubMed 17576681; PubMed 9536098.

NM_005235.3(ERBB4):c.2487+6T>G

Gene: ERBB4 (erb-b2 receptor tyrosine kinase 4; minus strand). Cytogenetic location: 2q34.
Variant type: single nucleotide variant.
Coding change: c.2487+6T>G on transcript NM_005235.3 (MANE Select); 6 bases into the intron after coding-DNA position 2487, T replaced by G.
Molecular consequence: intron variant.
Genome position (GRCh38, 1-based): chr2:211,561,897, A>C on the plus strand (T>G on the coding strand, the complement: ERBB4 is on the minus strand). VCF-style: chr2-211561897-A-C. GRCh37 (hg19) VCF-style: chr2-212426622-A-C.
Other names: c.2487+6T>G (NM_001042599.2); c.2457+6T>G (NM_001439006.1, NM_001439005.1).
Identifiers: ClinVar variation 4729620 (VCV004729620.1).